The following is an entry in ClinVar:

NM_001105206.3(LAMA4):c.3577C>A (p.Pro1193Thr)

Gene: LAMA4 (laminin subunit alpha 4; minus strand). Cytogenetic location: 6q21.
Variant type: single nucleotide variant.
Coding change: c.3577C>A on transcript NM_001105206.3 (MANE Select); coding-DNA position 3577, C replaced by A.
Protein change: p.Pro1193Thr; replaces proline 1193 with threonine.
Molecular consequence: missense variant.
Genome position (GRCh38, 1-based): chr6:112,133,468, G>T on the plus strand (C>A on the coding strand, the complement: LAMA4 is on the minus strand). VCF-style: chr6-112133468-G-T. GRCh37 (hg19) VCF-style: chr6-112454670-G-T.
Other names: c.3556C>A, p.Pro1186Thr (NM_001105207.3, NM_002290.5); short protein forms P1186T, P1193T.
Identifiers: ClinVar variation 1732631 (VCV001732631.3), dbSNP rs782251597, ClinGen allele CA3965169.
Genomic context (GRCh38, chr6:112,133,468, plus strand): 5'-TGAAGTCCTTCTTTTGGAACTGGAAGCCCTTCATGCATCCTCTGAAGTTGATATCTAGGG[G>T]AAGGTGTGCTCTGAGGGCCCTGGAAAAGAAAGTCAGCCTCACTGATACAGCCATGATGAT-3'
Protein context (NP_001098676.2, residues 1183-1203): LQSRALRAHL[Pro1193Thr]LDINFRGCMK

ClinVar aggregate classification (germline): Uncertain significance (1 of 4 stars; one submission).

Conditions:
Cardiovascular phenotype. Identifiers: MedGen CN230736.

Allele frequency attached by ClinVar (database versions not stated): ExAC 0.00001.
gnomAD v4.1: 10 of 1,613,566 alleles (0.00062%); highest among the groups gnomAD compares: Non-Finnish European, 0.00076%; no homozygotes.

Submission:

Ambry Genetics
Classification: Uncertain significance for Cardiovascular phenotype. Last evaluated: 2025-03-13. Review status: criteria provided, single submitter. Criteria: Ambry Variant Classification Scheme 2023. Collection method: clinical testing. Allele origin: germline.
Comment: The p.P1186T variant (also known as c.3556C>A), located in coding exon 26 of the LAMA4 gene, results from a C to A substitution at nucleotide position 3556. The proline at codon 1186 is replaced by threonine, an amino acid with highly similar properties. This amino acid position is not well conserved in available vertebrate species. In addition, this alteration is predicted to be tolerated by in silico analysis. Since supporting evidence is limited at this time, the clinical significance of this alteration remains unclear.